The following is an entry in ClinVar:

ClinVar aggregate classification (germline): Likely benign (0 of 4 stars; one submission).

Conditions:
MYLK-related disorder. Also called: MYLK-related condition.

Submission:

PreventionGenetics, part of Exact Sciences
Classification: Likely benign for MYLK-related condition. Last evaluated: 2024-01-08. Review status: no assertion criteria provided. Collection method: clinical testing. Allele origin: germline.
Comment: This variant is classified as likely benign based on ACMG/AMP sequence variant interpretation guidelines (Richards et al. 2015 PMID: 25741868, with internal and published modifications).

NM_053025.4(MYLK):c.3986-4C>T

Gene: MYLK (myosin light chain kinase; minus strand). Cytogenetic location: 3q21.1.
Variant type: single nucleotide variant.
Coding change: c.3986-4C>T on transcript NM_053025.4 (MANE Select); 4 bases into the intron before coding-DNA position 3986, C replaced by T.
Molecular consequence: intron variant.
Genome position (GRCh38, 1-based): chr3:123,657,432, G>A on the plus strand (C>T on the coding strand, the complement: MYLK is on the minus strand). VCF-style: chr3-123657432-G-A. GRCh37 (hg19) VCF-style: chr3-123376279-G-A.
Other names: c.3458-4C>T (NM_001321309.2); c.3779-4C>T (NM_053028.4, NM_053026.4); c.3986-4C>T (NM_053027.4).
Identifiers: ClinVar variation 3035035 (VCV003035035.2), dbSNP rs2473544177, ClinGen allele CA2740094585.